The following is an entry in ClinVar:

NM_001004334.4(GPR179):c.553G>A (p.Glu185Lys)

Gene: GPR179 (G protein-coupled receptor 179; minus strand). Cytogenetic location: 17q12.
Variant type: single nucleotide variant.
Coding change: c.553G>A on transcript NM_001004334.4 (MANE Select); coding-DNA position 553, G replaced by A.
Protein change: p.Glu185Lys; replaces glutamic acid 185 with lysine.
Molecular consequence: missense variant.
Genome position (GRCh38, 1-based): chr17:38,343,237, C>T on the plus strand (G>A on the coding strand, the complement: GPR179 is on the minus strand). VCF-style: chr17-38343237-C-T. GRCh37 (hg19) VCF-style: chr17-36499120-C-T.
Other names: c.553G>A (NM_001004334.2); short protein forms E185K.
Identifiers: ClinVar variation 1521764 (VCV001521764.9), dbSNP rs202115810, ClinGen allele CA290111549.

ClinVar aggregate classification (germline): Uncertain significance. Review status: criteria provided, multiple submitters, no conflicts (2 of 4 stars). 3 submissions from 3 submitters: Uncertain significance (3). Last evaluated 2025-08-14.

Conditions:
Inborn genetic diseases. Identifiers: MedGen C0950123, MeSH D030342.

Allele frequency attached by ClinVar (database versions not stated): gnomAD 0.00001; gnomAD exomes 0.00001; ExAC 0.00002; 1000 Genomes Project 30x 0.00016; 1000 Genomes Project 0.00020.
gnomAD v4.1: 8 of 1,614,164 alleles (0.0005%); highest among the groups gnomAD compares: African/African-American, 0.0027%; no homozygotes.

Submissions (3):

Ambry Genetics
Classification: Uncertain significance for Inborn genetic diseases. Last evaluated: 2025-08-14. Review status: criteria provided, single submitter. Criteria: Ambry Variant Classification Scheme 2023. Collection method: clinical testing. Allele origin: germline.

Labcorp Genetics (formerly Invitae), Labcorp
Classification: Uncertain significance. Last evaluated: 2025-02-03. Review status: criteria provided, single submitter. Criteria: Invitae Variant Classification Sherloc (09022015). Collection method: clinical testing. Allele origin: germline.
Comment: This sequence change replaces glutamic acid, which is acidic and polar, with lysine, which is basic and polar, at codon 185 of the GPR179 protein (p.Glu185Lys). This variant is present in population databases (rs202115810, gnomAD 0.007%). This variant has not been reported in the literature in individuals affected with GPR179-related conditions. ClinVar contains an entry for this variant (Variation ID: 1521764). An algorithm developed to predict the effect of missense changes on protein structure and function outputs the following: PolyPhen-2: "Benign". The lysine amino acid residue is found in multiple mammalian species, which suggests that this missense change does not adversely affect protein function. In summary, the available evidence is currently insufficient to determine the role of this variant in disease. Therefore, it has been classified as a Variant of Uncertain Significance.

Blueprint Genetics
Classification: Uncertain significance. Last evaluated: 2022-07-18. Review status: criteria provided, single submitter. Criteria: ACMG Guidelines, 2015. Collection method: clinical testing. Allele origin: germline.